The following is an entry in ClinVar:

ClinVar aggregate classification (germline): Uncertain significance. Review status: criteria provided, multiple submitters, no conflicts (2 of 4 stars). 8 submissions from 8 submitters: Uncertain significance (7). 1 of the submissions does not count toward it. Last evaluated 2025-09-24.

Conditions:
SPINK1-related disorder. Also called: SPINK1-related condition.
Hereditary pancreatitis (PCTT). Also called: Hereditary chronic pancreatitis; PRSS1-Related Hereditary Pancreatitis. Identifiers: Orphanet 676, MedGen C0238339, MONDO:0008185, OMIM 167800.
Tropical pancreatitis. Identifiers: Orphanet 103918, MedGen C1842402, MONDO:0011986, OMIM 608189.

Allele frequency attached by ClinVar (database versions not stated): ExAC 0.00015; gnomAD exomes 0.00020 and 0.00041; TOPMed 0.00027; ESP Exome Variant Server 0.00031; gnomAD 0.00034.
gnomAD v4.1: 681 of 1,613,856 alleles (0.042%); highest among the groups gnomAD compares: Non-Finnish European, 0.052%; no homozygotes.

Submissions (8):

Labcorp Genetics (formerly Invitae), Labcorp
Classification: Uncertain significance for Hereditary pancreatitis. Last evaluated: 2025-09-24. Review status: criteria provided, single submitter. Criteria: Invitae Variant Classification Sherloc (09022015). Collection method: clinical testing. Allele origin: germline.
Comment: This sequence change replaces lysine, which is basic and polar, with asparagine, which is neutral and polar, at codon 66 of the SPINK1 protein (p.Lys66Asn). This variant is present in population databases (rs143014431, gnomAD 0.04%), and has an allele count higher than expected for a pathogenic variant. This missense change has been observed in individual(s) with pancreatitis (PMID: 17003641, 28502372, 33515547). ClinVar contains an entry for this variant (Variation ID: 410699). An algorithm developed to predict the effect of missense changes on protein structure and function (PolyPhen-2) suggests that this variant is likely to be disruptive. Experimental studies have shown that this missense change affects SPINK1 function (PMID: 22343981). In summary, the available evidence is currently insufficient to determine the role of this variant in disease. Therefore, it has been classified as a Variant of Uncertain Significance.

Women's Health and Genetics/Laboratory Corporation of America, LabCorp
Classification: Uncertain significance. Last evaluated: 2025-02-11. Review status: criteria provided, single submitter. Criteria: LabCorp Variant Classification Summary - May 2015. Collection method: clinical testing. Allele origin: germline.
Comment: Variant summary: SPINK1 c.198A>C (p.Lys66Asn) results in a non-conservative amino acid change located in the Kazal domain (IPR002350) of the encoded protein sequence. Four of five in-silico tools predict a benign effect of the variant on protein function. The variant allele was found at a frequency of 0.0002 in 250312 control chromosomes, predominantly at a frequency of 0.00035 within the Non-Finnish European subpopulation in the gnomAD database. This frequency is not significantly higher than estimated for a pathogenic variant in SPINK1 causing Chronic Pancreatitis (0.0002 vs 0.022), allowing no conclusion about variant significance. It has also been subsequently cited as a non-primary reference by others (example, Chua_2011, Chen_2012, Kume_2012, Szabo_2021). These data do not allow any conclusion about variant significance. Publications report experimental evidence evaluating an impact on protein function. One study reported a complete loss of expression of the protein product encoding the SPINK1 gene (PTS1) in human embryonic kidney 293T cells transfected with a mutant construct bearing this variant (Boulling_2012). The authors speculate that the possibility of reduced or lack of binding activity of the mutant protein to the monoclonal anti-hPST1 antibody used in their experimental system cannot be ruled out (Boulling_2007). Another study reported no difference in splicing or mRNA expression associated with this variant when compared to the wild type, thereby ruling out any impact of this missense variant on pre-mRNA splicing and/or mRNA stability (Wu_2017). The following publications have been ascertained in the context of this evaluation (PMID: 17003641, 22526274, 22343981, 21952138, 22749696, 28502372, 28994706, 33515547, 35974416). ClinVar contains an entry for this variant (Variation ID: 410699). Based on the evidence outlined above, the variant was classified as uncertain significance.

ARUP Laboratories, Molecular Genetics and Genomics, ARUP Laboratories
Classification: Uncertain significance. Last evaluated: 2025-02-06. Review status: criteria provided, single submitter. Criteria: ARUP Molecular Germline Variant Investigation Process 2024. Collection method: clinical testing. Allele origin: germline.
Comment: The SPINK1 c.198A>C; p.Lys66Asn variant (rs143014431, ClinVar Variation ID 410699) is reported in the literature in two unrelated individuals affected with pancreatitis (Keiles 2006), one of whom also carries the pathogenic SPINK1 variant p.Asn34Ser (Giefer 2017). The p.Lys66Asn variant is found in the general population with an overall allele frequency of 0.023% (64/2811698 alleles) in the Genome Aggregation Database (v2.1.1). Computational analyses are uncertain whether this variant is neutral or deleterious (REVEL: 0.173). Due to limited information, the clinical significance of this variant is uncertain at this time. References: Giefer MJ et al. Early-Onset Acute Recurrent and Chronic Pancreatitis Is Associated with PRSS1 or CTRC Gene Mutations. J Pediatr. 2017 Jul;186:95-100. PMID: 28502372. Keiles S et al. Identification of CFTR, PRSS1, and SPINK1 mutations in 381 patients with pancreatitis. Pancreas. 2006 Oct;33(3):221-7. PMID: 17003641.

Ambry Genetics
Classification: Uncertain significance for Hereditary pancreatitis. Last evaluated: 2024-05-22. Review status: criteria provided, single submitter. Criteria: Ambry Variant Classification Scheme 2023. Collection method: clinical testing. Allele origin: germline.
Comment: The p.K66N variant (also known as c.198A>C), located in coding exon 4 of the SPINK1 gene, results from an A to C substitution at nucleotide position 198. The lysine at codon 66 is replaced by asparagine, an amino acid with similar properties. This variant was reported in multiple individuals with chronic or recurrent pancreatitis (Keiles S et al. Pancreas, 2006 Oct;33:221-7; Giefer MJ et al. J Pediatr, 2017 Jul;186:95-100). Functional studies suggest that the variant reduces protein expression; however, additional evidence is needed to confirm this finding (Boulling A et al. Pancreas, 2012 Mar;41:329-30). This amino acid position is not well conserved in available vertebrate species. In addition, this alteration is predicted to be tolerated by in silico analysis. Based on the available evidence, the clinical significance of this variant remains unclear.

Fulgent Genetics
Classification: Uncertain significance for Hereditary pancreatitis; Tropical pancreatitis. Last evaluated: 2024-05-15. Review status: criteria provided, single submitter. Criteria: ACMG Guidelines, 2015. Collection method: clinical testing. Allele origin: germline.

Department of Pathology and Laboratory Medicine, Sinai Health System
Classification: Uncertain significance for Hereditary pancreatitis; Tropical pancreatitis. Last evaluated: 2021-07-30. Review status: criteria provided, single submitter. Criteria: ACMG Guidelines, 2015. Collection method: research. Allele origin: germline.

Mayo Clinic Laboratories, Mayo Clinic
Classification: Uncertain significance. Last evaluated: 2019-10-29. Review status: criteria provided, single submitter. Criteria: ACMG Guidelines, 2015. Collection method: clinical testing. Allele origin: germline. Observed: 1 variant allele.

PreventionGenetics, part of Exact Sciences
Classification: Uncertain significance for SPINK1-related condition. Last evaluated: 2024-01-29. Review status: no assertion criteria provided. Collection method: clinical testing. Allele origin: germline. Not counted in ClinVar's aggregate classification.
Comment: The SPINK1 c.198A>C variant is predicted to result in the amino acid substitution p.Lys66Asn. This variant has been reported in the heterozygous state in an individual with chronic pancreatitis and to co-occur with another SPINK1 variant (phase unknown) in an individual with early onset acute pancreatitis (Table 3, Keiles et al. 2006. PubMed ID: 17003641; Table III, Giefer et al. 2017. PubMed ID: 28502372). A full-length gene assay to assess pre-mRNA splicing suggests that this variant does not affect pre-mRNA splicing and/or mRNA stability (Table 1, Wu H et al. 2017. PubMed ID: 28994706). However, a study of protein expression in human embryonic kidney 293T (HEK293T) cells showed this variant causes complete loss of SPINK1 protein compared to control (Figure 1, Boulling et al. 2012. PubMed ID: 22343981). This variant is reported in 0.041% of alleles in individuals of European (Non-Finnish) descent in gnomAD, which is likely too common to be a primary cause of autosomal dominant disease. Conflicting interpretations of pathogenic and uncertain are present in the ClinVar database for the c.198A>C variant. Although this variant may contribute to chronic pancreatitis phenotypes with reduced penetrance, at this time, the clinical significance of this variant is uncertain due to the absence of conclusive functional and genetic evidence.

Literature cited by the submitters: PubMed 17003641 (cited by 3 submitters); PubMed 28502372 (cited by 3 submitters); PubMed 33515547 (cited by Labcorp Genetics (formerly Invitae), Labcorp and Women's Health and Genetics/Laboratory Corporation of America, LabCorp); PubMed 22343981 (cited by 3 submitters); PubMed 22526274 (cited by Women's Health and Genetics/Laboratory Corporation of America, LabCorp); PubMed 21952138 (cited by Women's Health and Genetics/Laboratory Corporation of America, LabCorp); PubMed 22749696 (cited by Women's Health and Genetics/Laboratory Corporation of America, LabCorp); PubMed 28994706 (cited by Women's Health and Genetics/Laboratory Corporation of America, LabCorp); PubMed 35974416 (cited by Women's Health and Genetics/Laboratory Corporation of America, LabCorp).

NM_001379610.1(SPINK1):c.198A>C (p.Lys66Asn)

Gene: SPINK1 (serine peptidase inhibitor Kazal type 1; minus strand). Cytogenetic location: 5q32.
Variant type: single nucleotide variant.
Coding change: c.198A>C on transcript NM_001379610.1 (MANE Select); coding-DNA position 198, A replaced by C.
Protein change: p.Lys66Asn; replaces lysine 66 with asparagine.
Molecular consequence: missense variant.
Genome position (GRCh38, 1-based): chr5:147,824,703, T>G on the plus strand (A>C on the coding strand, the complement: SPINK1 is on the minus strand). VCF-style: chr5-147824703-T-G. GRCh37 (hg19) VCF-style: chr5-147204266-T-G.
Other names: c.198A>C, p.Lys66Asn (NM_001354966.2, NM_003122.5); short protein forms K66N.
Identifiers: ClinVar variation 410699 (VCV000410699.63), dbSNP rs143014431, ClinGen allele CA3494755.
Genomic context (GRCh38, chr5:147,824,703, plus strand): 5'-ATTTCAAAACCTTGGTTCTCAGCAAGGCCCAGATTTTTGAATGAGGATAGAAGTCTGGCG[T>G]TTCCTGCAGTAGAGATTAAAAAAAATATATCAGCTTAAACTTCACTGATGAAAAAGTGAC-3'
Protein context (NP_001366539.1, residues 56-76): NECVLCFENR[Lys66Asn]RQTSILIQKS